The following is an entry in ClinVar:

NM_000535.7(PMS2):c.2028G>A (p.Met676Ile)

Gene: PMS2 (PMS1 homolog 2, mismatch repair system component; minus strand). Cytogenetic location: 7p22.1.
Variant type: single nucleotide variant.
Coding change: c.2028G>A on transcript NM_000535.7 (MANE Select); coding-DNA position 2028, G replaced by A.
Protein change: p.Met676Ile; replaces methionine 676 with isoleucine.
Molecular consequence: missense variant. On other transcripts: non-coding transcript variant (1), intron variant (4).
Genome position (GRCh38, 1-based): chr7:5,982,970, C>T on the plus strand (G>A on the coding strand, the complement: PMS2 is on the minus strand). VCF-style: chr7-5982970-C-T. GRCh37 (hg19) VCF-style: chr7-6022601-C-T.
Other names: c.1623G>A, p.Met541Ile (NM_001322005.2, NM_001406892.1, NM_001322009.2 and 14 more transcripts); c.1872G>A, p.Met624Ile (NM_001322006.2, NM_001406870.1); c.1710G>A, p.Met570Ile (NM_001322007.2, NM_001322008.2, NM_001406876.1 and 1 more transcripts); c.1467G>A, p.Met489Ile (NM_001322010.2, NM_001406906.1, NM_001406907.1); c.1719G>A, p.Met573Ile (NM_001406878.1, NM_001406875.1, NM_001406877.1 and 5 more transcripts); c.1095G>A, p.Met365Ile (NM_001322011.2, NM_001322012.2); c.1860G>A, p.Met620Ile (NM_001406874.1); c.1563G>A, p.Met521Ile (NM_001406900.1); and 16 more; short protein forms M275I, M489I, M518I, M521I, M541I, M568I, M676I, M485I.
Identifiers: ClinVar variation 3308078 (VCV003308078.1).

ClinVar aggregate classification (germline): Uncertain significance (1 of 4 stars; one submission).

Conditions:
Hereditary cancer-predisposing syndrome. Also called: Tumor predisposition; Hereditary Cancer Syndrome; Hereditary neoplastic syndrome; Neoplastic Syndromes, Hereditary. Identifiers: Orphanet 140162, MedGen C0027672, MeSH D009386, MONDO:0015356.

Submission:

Ambry Genetics
Classification: Uncertain significance for Hereditary cancer-predisposing syndrome. Last evaluated: 2024-04-26. Review status: criteria provided, single submitter. Criteria: Ambry Variant Classification Scheme 2023. Collection method: clinical testing. Allele origin: germline.
Comment: The p.M676I variant (also known as c.2028G>A), located in coding exon 12 of the PMS2 gene, results from a G to A substitution at nucleotide position 2028. The methionine at codon 676 is replaced by isoleucine, an amino acid with highly similar properties. This amino acid position is conserved. In addition, this alteration is predicted to be deleterious by in silico analysis. Based on the available evidence, the clinical significance of this variant remains unclear.